The following is an entry in ClinVar:

NM_000197.2(HSD17B3):c.201+1G>A

Genes: HSD17B3 (hydroxysteroid 17-beta dehydrogenase 3; minus strand), SLC35D2-HSD17B3 (SLC35D2-HSD17B3 readthrough; minus strand). Cytogenetic location: 9q22.32.
Variant type: single nucleotide variant.
Coding change: c.201+1G>A on transcript NM_000197.2 (MANE Select); the canonical splice donor site of the intron after coding-DNA position 201, G replaced by A.
Molecular consequence: splice donor variant.
Genome position (GRCh38, 1-based): chr9:96,298,415, C>T on the plus strand (G>A on the coding strand, the complement: HSD17B3 is on the minus strand). VCF-style: chr9-96298415-C-T. GRCh37 (hg19) VCF-style: chr9-99060697-C-T.
Identifiers: ClinVar variation 2674664 (VCV002674664.6), dbSNP rs746001525, ClinGen allele CA5140509.
Genomic context (GRCh38, chr9:96,298,415, plus strand): 5'-TGTCTCAGGACTGTGATTGTTCAATACAAGGGAGGAGAAAGTCCCCAGGAAGATAGCTTA[C>T]CTCGAACGAGTACGCTTTCCCAATTCCATCGCCTGCTCCAGTGATCACTGTGAAAAGCAA-3'

ClinVar aggregate classification (germline): Pathogenic. Review status: criteria provided, multiple submitters, no conflicts (2 of 4 stars). 3 submissions from 3 submitters: Pathogenic (3). Last evaluated 2026-02-02.

Conditions:
Testosterone 17-beta-dehydrogenase deficiency. Also called: 46,XY disorder of sex development due to 17-beta-hydroxysteroid dehydrogenase 3 deficiency; Pseudohermaphroditism male with gynecomastia; 17-beta hydroxysteroid dehydrogenase 3 deficiency; 17 alpha ketosteroid reductase deficiency of testis; 17 alpha KSR deficiency; Neutral 17 beta hydroxysteroid oxidoreductase deficiency. Identifiers: Orphanet 752, MedGen C0268296, MONDO:0009916, OMIM 264300. Disease mechanism: loss of function.
Differences in sex development.

Submissions (3):

Labcorp Genetics (formerly Invitae), Labcorp
Classification: Pathogenic. Last evaluated: 2026-02-02. Review status: criteria provided, single submitter. Criteria: Invitae Variant Classification Sherloc (09022015). Collection method: clinical testing. Allele origin: germline.
Comment: This sequence change affects a donor splice site in intron 2 of the HSD17B3 gene. It is expected to disrupt RNA splicing. Variants that disrupt the donor or acceptor splice site typically lead to a loss of protein function (PMID: 16199547), and loss-of-function variants in HSD17B3 are known to be pathogenic (PMID: 23796702, 25740850). This variant is present in population databases (rs746001525, gnomAD 0.006%). Disruption of this splice site has been observed in individuals with 17-beta-hydroxysteroid dehydrogenase type 3 deficiency (PMID: 25740850, 35134971). ClinVar contains an entry for this variant (Variation ID: 2674664). Algorithms developed to predict the effect of sequence changes on RNA splicing suggest that this variant may disrupt the consensus splice site. For these reasons, this variant has been classified as Pathogenic.

NHS Central & South Genomic Laboratory Hub
Classification: Pathogenic for Differences in sex development. Last evaluated: 2025-10-21. Review status: criteria provided, single submitter. Criteria: ACMG Guidelines, 2015. Collection method: clinical testing. Allele origin: germline. Affected: yes.

Clinical Biochemistry Laboratory, Health Services Laboratory
Classification: Pathogenic for Testosterone 17-beta-dehydrogenase deficiency. Last evaluated: 2023-11-20. Review status: criteria provided, single submitter. Criteria: ACMG Guidelines, 2015. Collection method: clinical testing. Allele origin: germline. Affected: yes.
Comment: ACMG:PVS1 PM2 PM3 PP1 PP3

Literature cited by the submitters: PubMed 16199547 (cited by Labcorp Genetics (formerly Invitae), Labcorp); PubMed 23796702 (cited by Labcorp Genetics (formerly Invitae), Labcorp); PubMed 25740850 (cited by Labcorp Genetics (formerly Invitae), Labcorp and Clinical Biochemistry Laboratory, Health Services Laboratory); PubMed 35134971 (cited by Labcorp Genetics (formerly Invitae), Labcorp).